The following is an entry in ClinVar:

ClinVar aggregate classification (germline): Uncertain significance (1 of 4 stars; one submission).

Conditions:
Familial encephalopathy with neuroserpin inclusion bodies. Also called: ENCEPHALOPATHY, FAMILIAL, WITH COLLINS BODIES. Identifiers: Orphanet 85110, MedGen C1858680, MONDO:0011412, OMIM 604218.

Allele frequency attached by ClinVar (database versions not stated): gnomAD exomes below 0.00001; ExAC 0.00001.
gnomAD v4.1: 1 of 1,614,016 alleles (0.000062%); highest among the groups gnomAD compares: Non-Finnish European, 0.000085%; no homozygotes.

Submission:

Labcorp Genetics (formerly Invitae), Labcorp
Classification: Uncertain significance for Familial encephalopathy with neuroserpin inclusion bodies. Last evaluated: 2024-10-24. Review status: criteria provided, single submitter. Criteria: Invitae Variant Classification Sherloc (09022015). Collection method: clinical testing. Allele origin: germline.
Comment: This sequence change replaces valine, which is neutral and non-polar, with methionine, which is neutral and non-polar, at codon 105 of the SERPINI1 protein (p.Val105Met). This variant is present in population databases (rs746853003, gnomAD 0.0009%). This variant has not been reported in the literature in individuals affected with SERPINI1-related conditions. ClinVar contains an entry for this variant (Variation ID: 2001234). Invitae Evidence Modeling of protein sequence and biophysical properties (such as structural, functional, and spatial information, amino acid conservation, physicochemical variation, residue mobility, and thermodynamic stability) indicates that this missense variant is not expected to disrupt SERPINI1 protein function with a negative predictive value of 80%. In summary, the available evidence is currently insufficient to determine the role of this variant in disease. Therefore, it has been classified as a Variant of Uncertain Significance.

NM_001122752.2(SERPINI1):c.313G>A (p.Val105Met)

Gene: SERPINI1 (serpin family I member 1; plus strand). Cytogenetic location: 3q26.1.
Variant type: single nucleotide variant.
Coding change: c.313G>A on transcript NM_001122752.2 (MANE Select); coding-DNA position 313, G replaced by A.
Protein change: p.Val105Met; replaces valine 105 with methionine.
Molecular consequence: missense variant.
Genome position (GRCh38, 1-based): chr3:167,790,434, G>A. VCF-style: chr3-167790434-G-A. GRCh37 (hg19) VCF-style: chr3-167508222-G-A.
Other names: c.313G>A, p.Val105Met (NM_005025.5); short protein forms V105M.
Identifiers: ClinVar variation 2001234 (VCV002001234.4), dbSNP rs746853003, ClinGen allele CA2694778.